The following is an entry in ClinVar:

NM_004281.4(BAG3):c.1312G>T (p.Ala438Ser)

Gene: BAG3 (BAG cochaperone 3; plus strand). Cytogenetic location: 10q26.11.
Variant type: single nucleotide variant.
Coding change: c.1312G>T on transcript NM_004281.4 (MANE Select); coding-DNA position 1312, G replaced by T.
Protein change: p.Ala438Ser; replaces alanine 438 with serine.
Molecular consequence: missense variant.
Genome position (GRCh38, 1-based): chr10:119,676,866, G>T. VCF-style: chr10-119676866-G-T. GRCh37 (hg19) VCF-style: chr10-121436378-G-T.
Other names: p.Ala438Ser; short protein forms A438S.
Identifiers: ClinVar variation 574002 (VCV000574002.14), dbSNP rs1031608025, ClinGen allele CA214225133.
Genomic context (GRCh38, chr10:119,676,866, plus strand): 5'-AAACATCCAGGAGTGCTGAAAGTGGAAGCCATCCTGGAGAAGGTACAGGGGCTGGAGCAG[G>T]CTGTAGACAACTTTGAAGGCAAGAAGACTGACAAAAAGTACCTGATGATCGAAGAGTATT-3'
Protein context (NP_004272.2, residues 428-448): ILEKVQGLEQ[Ala438Ser]VDNFEGKKTD

ClinVar aggregate classification (germline): Uncertain significance. Review status: criteria provided, multiple submitters, no conflicts (2 of 4 stars). 6 submissions from 6 submitters: Uncertain significance (6). Last evaluated 2025-09-30.

Conditions:
Cardiovascular phenotype. Identifiers: MedGen CN230736.
Myofibrillar myopathy 6. Identifiers: Orphanet 199340, MedGen C2751831, MONDO:0013061, OMIM 612954.
Dilated cardiomyopathy 1HH (CMD1HH). Identifiers: Orphanet 154, MedGen C3151293, MONDO:0013479, OMIM 613881.

Allele frequency attached by ClinVar (database versions not stated): gnomAD exomes below 0.00001 and 0.00001; TOPMed 0.00002; gnomAD 0.00003.
gnomAD v4.1: 8 of 1,614,056 alleles (0.0005%); highest among the groups gnomAD compares: Non-Finnish European, 0.00059%; no homozygotes.

Submissions (6):

Labcorp Genetics (formerly Invitae), Labcorp
Classification: Uncertain significance for Dilated cardiomyopathy 1HH; Myofibrillar myopathy 6. Last evaluated: 2025-09-30. Review status: criteria provided, single submitter. Criteria: Invitae Variant Classification Sherloc (09022015). Collection method: clinical testing. Allele origin: germline.
Comment: This sequence change replaces alanine, which is neutral and non-polar, with serine, which is neutral and polar, at codon 438 of the BAG3 protein (p.Ala438Ser). This variant is present in population databases (no rsID available, gnomAD 0.002%). This variant has not been reported in the literature in individuals affected with BAG3-related conditions. ClinVar contains an entry for this variant (Variation ID: 574002). Invitae Evidence Modeling of protein sequence and biophysical properties (such as structural, functional, and spatial information, amino acid conservation, physicochemical variation, residue mobility, and thermodynamic stability) indicates that this missense variant is not expected to disrupt BAG3 protein function with a negative predictive value of 80%. In summary, the available evidence is currently insufficient to determine the role of this variant in disease. Therefore, it has been classified as a Variant of Uncertain Significance.

Mayo Clinic Laboratories, Mayo Clinic
Classification: Uncertain significance. Last evaluated: 2025-06-12. Review status: criteria provided, single submitter. Criteria: ACMG Guidelines, 2015. Collection method: clinical testing. Allele origin: germline. Observed: 1 variant allele.

Ambry Genetics
Classification: Uncertain significance for Cardiovascular phenotype. Last evaluated: 2024-12-05. Review status: criteria provided, single submitter. Criteria: Ambry Variant Classification Scheme 2023. Collection method: clinical testing. Allele origin: germline.
Comment: The p.A438S variant (also known as c.1312G>T), located in coding exon 4 of the BAG3 gene, results from a G to T substitution at nucleotide position 1312. The alanine at codon 438 is replaced by serine, an amino acid with similar properties. This amino acid position is conserved. In addition, the in silico prediction for this alteration is inconclusive. Based on the available evidence, the clinical significance of this variant remains unclear.

Fulgent Genetics
Classification: Uncertain significance for Myofibrillar myopathy 6; Dilated cardiomyopathy 1HH. Last evaluated: 2021-08-17. Review status: criteria provided, single submitter. Criteria: ACMG Guidelines, 2015. Collection method: clinical testing. Allele origin: unknown.

Revvity Omics, Revvity
Classification: Uncertain significance. Last evaluated: 2020-01-03. Review status: criteria provided, single submitter. Criteria: ACMG Guidelines, 2015. Collection method: clinical testing. Allele origin: germline.

GeneDx
Classification: Uncertain significance. Last evaluated: 2019-06-12. Review status: criteria provided, single submitter. Criteria: GeneDx Variant Classification Process June 2021. Collection method: clinical testing. Allele origin: germline. Affected: yes.
Comment: Not observed at a significant frequency in large population cohorts (Lek et al., 2016); In silico analysis, which includes protein predictors and evolutionary conservation, supports that this variant does not alter protein structure/function; Has not been previously published as pathogenic or benign to our knowledge